The following is an entry in ClinVar:

NM_004519.4(KCNQ3):c.2587T>G (p.Ser863Ala)

Gene: KCNQ3 (potassium voltage-gated channel subfamily Q member 3; minus strand). Cytogenetic location: 8q24.22.
Variant type: single nucleotide variant.
Coding change: c.2587T>G on transcript NM_004519.4 (MANE Select); coding-DNA position 2587, T replaced by G.
Protein change: p.Ser863Ala; replaces serine 863 with alanine.
Molecular consequence: missense variant.
Genome position (GRCh38, 1-based): chr8:132,129,294, A>C on the plus strand (T>G on the coding strand, the complement: KCNQ3 is on the minus strand). VCF-style: chr8-132129294-A-C. GRCh37 (hg19) VCF-style: chr8-133141541-A-C.
Other names: c.2227T>G, p.Ser743Ala (NM_001204824.2); short protein forms S743A, S863A.
Identifiers: ClinVar variation 1306085 (VCV001306085.6), dbSNP rs1824773305, ClinGen allele CA372215445.
Genomic context (GRCh38, chr8:132,129,294, plus strand): 5'-ACAAGGAGGGGTCAGCCAGTGACCTCTTTTAAATGGGCTTATTGGAAGGGGTCCATACTG[A>C]ATCAGAAATCCCATCCCCTGTGGACGACAGAGGCATGGAGCCGCTGGGCGTGAAGGGGTC-3'
Protein context (NP_004510.1, residues 853-872): LSSTGDGISD[Ser863Ala]VWTPSNKPI

ClinVar aggregate classification (germline): Uncertain significance. Review status: criteria provided, multiple submitters, no conflicts (2 of 4 stars). 2 submissions from 2 submitters: Uncertain significance (2). Last evaluated 2022-10-13.

Conditions:
Benign neonatal seizures. Also called: Benign neonatal familial convulsions; Benign familial neonatal epilepsy; Convulsions benign familial neonatal dominant form; Autosomal dominant form of benign neonatal seizures; Benign familial neonatal seizures. Identifiers: Orphanet 1949, MedGen C0220669, MONDO:0016027.

Allele frequency attached by ClinVar (database versions not stated): TOPMed below 0.00001; gnomAD 0.00001.
gnomAD v4.1: 1 of 1,613,612 alleles (0.000062%); highest among the groups gnomAD compares: African/African-American, 0.0013%; no homozygotes.

Submissions (2):

Labcorp Genetics (formerly Invitae), Labcorp
Classification: Uncertain significance for Benign neonatal seizures. Last evaluated: 2022-10-13. Review status: criteria provided, single submitter. Criteria: Invitae Variant Classification Sherloc (09022015). Collection method: clinical testing. Allele origin: germline.
Comment: In summary, the available evidence is currently insufficient to determine the role of this variant in disease. Therefore, it has been classified as a Variant of Uncertain Significance. Advanced modeling of protein sequence and biophysical properties (such as structural, functional, and spatial information, amino acid conservation, physicochemical variation, residue mobility, and thermodynamic stability) performed at Invitae indicates that this missense variant is not expected to disrupt KCNQ3 protein function. ClinVar contains an entry for this variant (Variation ID: 1306085). This variant has not been reported in the literature in individuals affected with KCNQ3-related conditions. This variant is not present in population databases (gnomAD no frequency). This sequence change replaces serine, which is neutral and polar, with alanine, which is neutral and non-polar, at codon 863 of the KCNQ3 protein (p.Ser863Ala).

GeneDx
Classification: Uncertain significance. Last evaluated: 2019-06-10. Review status: criteria provided, single submitter. Criteria: GeneDx Variant Classification Process June 2021. Collection method: clinical testing. Allele origin: germline. Affected: yes.
Comment: Not observed in large population cohorts (Lek et al., 2016); In silico analysis, which includes protein predictors and evolutionary conservation, supports that this variant does not alter protein structure/function; Has not been previously published as pathogenic or benign to our knowledge